The following is an entry in ClinVar:

ClinVar aggregate classification (germline): Uncertain significance (1 of 4 stars; one submission).

Conditions:
Inborn genetic diseases. Identifiers: MedGen C0950123, MeSH D030342.

Allele frequency attached by ClinVar (database versions not stated): gnomAD exomes below 0.00001.
gnomAD v4.1: 1 of 1,613,740 alleles (0.000062%); highest among the groups gnomAD compares: Non-Finnish European, 0.000085%; no homozygotes.

Submission:

Ambry Genetics
Classification: Uncertain significance for Inborn genetic diseases. Last evaluated: 2020-12-11. Review status: criteria provided, single submitter. Criteria: Ambry Variant Classification Scheme 2023. Collection method: clinical testing. Allele origin: germline.
Comment: The p.A122V variant (also known as c.365C>T), located in coding exon 2 of the SLC52A2 gene, results from a C to T substitution at nucleotide position 365. The alanine at codon 122 is replaced by valine, an amino acid with similar properties. This amino acid position is not well conserved in available vertebrate species. In addition, the in silico prediction for this alteration is inconclusive. Since supporting evidence is limited at this time, the clinical significance of this alteration remains unclear.

NM_001363118.2(SLC52A2):c.365C>T (p.Ala122Val)

Gene: SLC52A2 (solute carrier family 52 member 2; plus strand). Cytogenetic location: 8q24.3.
Variant type: single nucleotide variant.
Coding change: c.365C>T on transcript NM_001363118.2 (MANE Select); coding-DNA position 365, C replaced by T.
Protein change: p.Ala122Val; replaces alanine 122 with valine.
Molecular consequence: missense variant. On other transcripts: non-coding transcript variant (1), intron variant (1).
Genome position (GRCh38, 1-based): chr8:144,359,857, C>T. VCF-style: chr8-144359857-C-T. GRCh37 (hg19) VCF-style: chr8-145583517-C-T.
Other names: c.365C>T, p.Ala122Val (NM_001253815.2, NM_001253816.2, NM_001363120.2 and 2 more transcripts); c.101C>T, p.Ala34Val (NM_001410949.1); c.131-258C>T (NM_001363122.2); short protein forms A34V, A122V.
Identifiers: ClinVar variation 1733662 (VCV001733662.2), dbSNP rs2489040368, ClinGen allele CA372626969.